The following is an entry in ClinVar:

ClinVar aggregate classification (germline): Uncertain significance. Review status: criteria provided, multiple submitters, no conflicts (2 of 4 stars). 2 submissions from 2 submitters: Uncertain significance (2). Last evaluated 2025-01-14.

gnomAD v4.1: 4 of 1,614,212 alleles (0.00025%); highest among the groups gnomAD compares: Admixed American, 0.0017%; no homozygotes.

Submissions (2):

Women's Health and Genetics/Laboratory Corporation of America, LabCorp
Classification: Uncertain significance. Last evaluated: 2025-01-14. Review status: criteria provided, single submitter. Criteria: LabCorp Variant Classification Summary - May 2015. Collection method: clinical testing. Allele origin: germline.
Comment: Variant summary: NAXE c.237C>G (p.Ser79Arg) results in a non-conservative amino acid change located in the YjeF N-terminal domain (IPR004443) of the encoded protein sequence. Four of five in-silico tools predict a damaging effect of the variant on protein function. The variant allele was found at a frequency of 4e-06 in 251466 control chromosomes. The available data on variant occurrences in the general population are insufficient to allow any conclusion about variant significance. To our knowledge, no occurrence of c.237C>G in individuals affected with Encephalopathy, Progressive, Early-Onset, With Brain Edema And/or Leukoencephalopathy, 1 and no experimental evidence demonstrating its impact on protein function have been reported. ClinVar contains an entry for this variant (Variation ID: 1983109). Based on the evidence outlined above, the variant was classified as uncertain significance.

Labcorp Genetics (formerly Invitae), Labcorp
Classification: Uncertain significance. Last evaluated: 2024-10-16. Review status: criteria provided, single submitter. Criteria: Invitae Variant Classification Sherloc (09022015). Collection method: clinical testing. Allele origin: germline.
Comment: This sequence change replaces serine, which is neutral and polar, with arginine, which is basic and polar, at codon 79 of the NAXE protein (p.Ser79Arg). This variant is present in population databases (rs745718266, gnomAD 0.003%). This variant has not been reported in the literature in individuals affected with NAXE-related conditions. ClinVar contains an entry for this variant (Variation ID: 1983109). Invitae Evidence Modeling of protein sequence and biophysical properties (such as structural, functional, and spatial information, amino acid conservation, physicochemical variation, residue mobility, and thermodynamic stability) has been performed for this missense variant. However, the output from this modeling did not meet the statistical confidence thresholds required to predict the impact of this variant on NAXE protein function. In summary, the available evidence is currently insufficient to determine the role of this variant in disease. Therefore, it has been classified as a Variant of Uncertain Significance.

NM_144772.3(NAXE):c.237C>G (p.Ser79Arg)

Gene: NAXE (NAD(P)HX epimerase; plus strand). Cytogenetic location: 1q22.
Variant type: single nucleotide variant.
Coding change: c.237C>G on transcript NM_144772.3 (MANE Select); coding-DNA position 237, C replaced by G.
Protein change: p.Ser79Arg; replaces serine 79 with arginine.
Molecular consequence: missense variant.
Genome position (GRCh38, 1-based): chr1:156,592,155, C>G. VCF-style: chr1-156592155-C-G. GRCh37 (hg19) VCF-style: chr1-156561947-C-G.
Other names: short protein forms S79R.
Identifiers: ClinVar variation 1983109 (VCV001983109.5), dbSNP rs745718266, ClinGen allele CA1162694.
Genomic context (GRCh38, chr1:156,592,155, plus strand): 5'-CCTCAGCCAGGAGGAGGCCCAGGCCGTGGACCAGGAGCTATTTAACGAATACCAGTTCAG[C>G]GTGGACCAACTTATGGAACTGGCCGGGCTGAGCTGTGCTACAGCCATCGCCAAGGTCAGT-3'
Protein context (NP_658985.2, residues 69-89): DQELFNEYQF[Ser79Arg]VDQLMELAGL